The following is an entry in ClinVar:

ClinVar aggregate classification (germline): Pathogenic (1 of 4 stars; one submission).

Conditions:
Nemaline myopathy 2 (NEM2). Also called: Nemaline myopathy 2, autosomal recessive. Identifiers: MedGen C1850569, MONDO:0009725, OMIM 256030.

Submission:

Labcorp Genetics (formerly Invitae), Labcorp
Classification: Pathogenic for Nemaline myopathy 2. Last evaluated: 2022-01-03. Review status: criteria provided, single submitter. Criteria: Invitae Variant Classification Sherloc (09022015). Collection method: clinical testing. Allele origin: germline.
Comment: For these reasons, this variant has been classified as Pathogenic. This variant has not been reported in the literature in individuals affected with NEB-related conditions. This variant is not present in population databases (gnomAD no frequency). This sequence change creates a premature translational stop signal (p.Lys1218Argfs*6) in the NEB gene. It is expected to result in an absent or disrupted protein product. Loss-of-function variants in NEB are known to be pathogenic (PMID: 25205138).

Literature cited by the submitters: PubMed 25205138.

NM_001164508.2(NEB):c.3648del (p.Lys1218fs)

Gene: NEB (nebulin; minus strand). Cytogenetic location: 2q23.3.
Variant type: Deletion.
Coding change: c.3648del on transcript NM_001164508.2 (MANE Select); coding-DNA position 3648, one base deleted (T; older notation c.3648delT).
Protein change: p.Lys1218fs; shifts the reading frame from lysine 1218.
Molecular consequence: frameshift variant.
Genome position (GRCh38, 1-based): chr2:151,677,691, A deleted on the plus strand (T on the coding strand, the reverse complement: NEB is on the minus strand); the first of 2 consecutive A bases (chr2:151,677,691-151,677,692); deleting either gives the same sequence. VCF-style (leftmost placement, unchanged base first): chr2-151677690-TA-T. GRCh37 (hg19) VCF-style: chr2-152534204-TA-T.
Other names: c.3648del, p.Lys1218fs (NM_001164507.2, NM_001271208.2, NM_004543.5); short protein forms K1218fs.
Identifiers: ClinVar variation 2072066 (VCV002072066.4), dbSNP rs2552262538, ClinGen allele CA2580064136.